The following is an entry in ClinVar:

ClinVar aggregate classification (germline): Benign/Likely benign. Review status: criteria provided, multiple submitters, no conflicts (2 of 4 stars). 10 submissions from 10 submitters: Benign (2); Likely benign (7). 1 of the submissions does not count toward it. Last evaluated 2025-12-22.

Conditions:
APC-related disorder. Also called: APC-related condition.
Classic or attenuated familial adenomatous polyposis. Identifiers: MedGen CN372698, MONDO:0021057.
Hereditary cancer-predisposing syndrome. Also called: Tumor predisposition; Hereditary neoplastic syndrome; Neoplastic Syndromes, Hereditary; Hereditary Cancer Syndrome. Identifiers: Orphanet 140162, MedGen C0027672, MeSH D009386, MONDO:0015356.
Familial adenomatous polyposis 1 (FAP1). Also called: FAMILIAL ADENOMATOUS POLYPOSIS 1, ATTENUATED; POLYPOSIS, ADENOMATOUS INTESTINAL. Identifiers: MedGen C2713442, MONDO:0021056, OMIM 175100. Disease mechanism: loss of function.

Allele frequency attached by ClinVar (database versions not stated): gnomAD exomes 0.00001 and 0.00002.
gnomAD v4.1: 5 of 1,613,428 alleles (0.00031%); highest among the groups gnomAD compares: Admixed American, 0.0067%; no homozygotes.

Submissions (10):

Labcorp Genetics (formerly Invitae), Labcorp
Classification: Likely benign for Familial adenomatous polyposis 1. Last evaluated: 2025-12-22. Review status: criteria provided, single submitter. Criteria: Invitae Variant Classification Sherloc (09022015). Collection method: clinical testing. Allele origin: germline.

Quest Diagnostics Nichols Institute San Juan Capistrano
Classification: Benign. Last evaluated: 2025-05-13. Review status: criteria provided, single submitter. Criteria: Quest Diagnostics criteria. Collection method: clinical testing. Allele origin: unknown.

Institute for Biomarker Research, Medical Diagnostic Laboratories, L.L.C.
Classification: Likely benign for Hereditary cancer-predisposing syndrome. Last evaluated: 2024-06-11. Review status: criteria provided, single submitter. Criteria: ACMG Guidelines, 2015. Collection method: clinical testing. Allele origin: germline.

Myriad Genetics, Inc.
Classification: Benign for Familial adenomatous polyposis 1. Last evaluated: 2024-04-11. Review status: criteria provided, single submitter. Criteria: Myriad Autosomal Dominant, Autosomal Recessive and X-Linked Classification Criteria (2023). Collection method: clinical testing. Allele origin: unknown.
Comment: This variant is considered benign. This variant is a silent/synonymous amino acid change and it is not expected to impact splicing.

All of Us Research Program, National Institutes of Health
Classification: Likely benign for Classic or attenuated familial adenomatous polyposis. Last evaluated: 2023-10-02. Review status: criteria provided, single submitter. Criteria: ACMG Guidelines, 2015. Collection method: clinical testing. Allele origin: germline. Inheritance: Autosomal dominant inheritance. Observed: 2 variant alleles, 2 heterozygotes.
Comment: This study involves interpretation of variants in research participants for the purpose of population health screening. Participant phenotype was not available at the time of variant classification. Additional details can be found in publication PMID: 35346344, PMCID: PMC8962531

Women's Health and Genetics/Laboratory Corporation of America, LabCorp
Classification: Likely benign. Last evaluated: 2019-08-20. Review status: criteria provided, single submitter. Criteria: LabCorp Variant Classification Summary - May 2015. Collection method: clinical testing. Allele origin: germline.

GeneDx
Classification: Likely benign. Last evaluated: 2018-11-07. Review status: criteria provided, single submitter. Criteria: GeneDx Variant Classification Process June 2021. Collection method: clinical testing. Allele origin: germline. Affected: yes.

Color Diagnostics, LLC DBA Color Health
Classification: Likely benign for Hereditary cancer-predisposing syndrome. Last evaluated: 2017-04-07. Review status: criteria provided, single submitter. Criteria: ACMG Guidelines, 2015. Collection method: clinical testing. Allele origin: germline.

Ambry Genetics
Classification: Likely benign for Hereditary cancer-predisposing syndrome. Last evaluated: 2016-01-25. Review status: criteria provided, single submitter. Criteria: Ambry Variant Classification Scheme 2023. Collection method: clinical testing. Allele origin: germline.

PreventionGenetics, part of Exact Sciences
Classification: Likely benign for APC-related condition. Last evaluated: 2021-06-21. Review status: no assertion criteria provided. Collection method: clinical testing. Allele origin: germline. Not counted in ClinVar's aggregate classification.
Comment: This variant is classified as likely benign based on ACMG/AMP sequence variant interpretation guidelines (Richards et al. 2015 PMID: 25741868, with internal and published modifications).

NM_000038.6(APC):c.7833A>G (p.Thr2611=)

Gene: APC (APC regulator of Wnt signaling pathway; plus strand). Cytogenetic location: 5q22.2.
Variant type: single nucleotide variant.
Coding change: c.7833A>G on transcript NM_000038.6 (MANE Select); coding-DNA position 7833, A replaced by G.
Protein change: p.Thr2611=; no amino-acid change (threonine 2611 retained).
Molecular consequence: synonymous variant.
Genome position (GRCh38, 1-based): chr5:112,843,427, A>G. VCF-style: chr5-112843427-A-G. GRCh37 (hg19) VCF-style: chr5-112179124-A-G.
Other names: c.7833A>G, p.Thr2611= (NM_001127510.3, NM_001354895.2); c.7779A>G, p.Thr2593= (NM_001127511.3); c.7887A>G, p.Thr2629= (NM_001354896.2); c.7863A>G, p.Thr2621= (NM_001354897.2); c.7758A>G, p.Thr2586= (NM_001354898.2); c.7749A>G, p.Thr2583= (NM_001354899.2); c.7710A>G, p.Thr2570= (NM_001354900.2); c.7656A>G, p.Thr2552= (NM_001354901.2); and 5 more.
Identifiers: ClinVar variation 380855 (VCV000380855.28), dbSNP rs1057520909, ClinGen allele CA16605202.